The following is an entry in ClinVar:

NM_007294.4(BRCA1):c.2719del (p.Glu907fs)

Gene: BRCA1 (BRCA1 DNA repair associated; minus strand). Cytogenetic location: 17q21.31.
Variant type: Deletion.
Coding change: c.2719del on transcript NM_007294.4 (MANE Select); coding-DNA position 2719, one base deleted (G; older notation c.2719delG).
Protein change: p.Glu907fs; shifts the reading frame from glutamic acid 907.
Molecular consequence: frameshift variant. On other transcripts: intron variant (137).
Genome position (GRCh38, 1-based): chr17:43,092,812, C deleted on the plus strand (G on the coding strand, the reverse complement: BRCA1 is on the minus strand); the first of 2 consecutive C bases (chr17:43,092,812-43,092,813); deleting either gives the same sequence. VCF-style (leftmost placement, unchanged base first): chr17-43092811-TC-T. GRCh37 (hg19) VCF-style: chr17-41244828-TC-T.
Other names: 2838delG; c.2719delG (NM_007294.3); c.785-1780del (NM_001408407.1, NM_001408402.1, NM_001408473.1 and 13 more transcripts); c.665-1780del (NM_001408443.1, NM_001408439.1, NM_001408425.1 and 12 more transcripts); c.671-1780del (NM_001408419.1, NM_001408422.1, NM_001408418.1 and 2 more transcripts); c.788-1780del (NM_001408403.1, NM_001407983.1, NM_001407975.1 and 17 more transcripts); c.791-1789del (NM_001408406.1); c.647-1780del (NM_001408456.1, NM_001408410.1, NM_001408458.1 and 11 more transcripts); and 43 more; short protein forms E860fs, E907fs, E739fs, E779fs, E880fs, E906fs, E611fs, E780fs.
Identifiers: ClinVar variation 252870 (VCV000252870.9), dbSNP rs879255481, ClinGen allele CA10586100.

ClinVar aggregate classification (germline): Pathogenic. Review status: reviewed by expert panel (3 of 4 stars). 5 submissions from 5 submitters: Pathogenic (1). 4 of the submissions do not count toward it. Last evaluated 2016-10-18.

Conditions:
Hereditary cancer-predisposing syndrome. Also called: Hereditary Cancer Syndrome; Neoplastic Syndromes, Hereditary; Hereditary neoplastic syndrome; Tumor predisposition. Identifiers: Orphanet 140162, MedGen C0027672, MeSH D009386, MONDO:0015356.
Hereditary breast ovarian cancer syndrome. Also called: Hereditary breast and ovarian cancer syndrome (HBOC); Breast and ovarian cancer; Hereditary breast and ovarian cancer syndrome; Hereditary breast and ovarian cancer; BRCA1- and BRCA2-Associated Hereditary Breast and Ovarian Cancer; Hereditary breast and/or ovarian cancer syndrome. Identifiers: Orphanet 145, MedGen C0677776, MeSH D061325, MONDO:0003582. Disease mechanism: loss of function.
Breast-ovarian cancer, familial, susceptibility to, 1 (BROVCA1). Also called: BRCA1 Hereditary Breast and Ovarian Cancer; OVARIAN CANCER, SUSCEPTIBILITY TO. Identifiers: Orphanet 145, MedGen C2676676, MONDO:0011450, OMIM 604370. Disease mechanism: loss of function.

Submissions (5):

Evidence-based Network for the Interpretation of Germline Mutant Alleles (ENIGMA)
Classification: Pathogenic for Breast-ovarian cancer, familial, susceptibility to, 1. Last evaluated: 2016-10-18. Review status: reviewed by expert panel. Criteria: ENIGMA BRCA1/2 Classification Criteria (2015). Collection method: curation. Allele origin: germline.
Comment: Variant allele predicted to encode a truncated non-functional protein.

Labcorp Genetics (formerly Invitae), Labcorp
Classification: Pathogenic for Hereditary breast ovarian cancer syndrome. Last evaluated: 2025-08-09. Review status: criteria provided, single submitter. Criteria: Invitae Variant Classification Sherloc (09022015). Collection method: clinical testing. Allele origin: germline. Not counted in ClinVar's aggregate classification.
Comment: This sequence change creates a premature translational stop signal (p.Glu907Lysfs*93) in the BRCA1 gene. It is expected to result in an absent or disrupted protein product. Loss-of-function variants in BRCA1 are known to be pathogenic (PMID: 20104584). This variant is not present in population databases (gnomAD no frequency). This variant has not been reported in the literature in individuals affected with BRCA1-related conditions. ClinVar contains an entry for this variant (Variation ID: 252870). For these reasons, this variant has been classified as Pathogenic.

Ambry Genetics
Classification: Pathogenic for Hereditary cancer-predisposing syndrome. Last evaluated: 2021-07-28. Review status: criteria provided, single submitter. Criteria: Ambry Variant Classification Scheme 2023. Collection method: clinical testing. Allele origin: germline. Not counted in ClinVar's aggregate classification.
Comment: The c.2719delG pathogenic mutation, located in coding exon 9 of the BRCA1 gene, results from a deletion of one nucleotide at nucleotide position 2719, causing a translational frameshift with a predicted alternate stop codon (p.E907Kfs*93). This alteration was identified in a large, worldwide study of BRCA1/2 mutation positive families (Rebbeck TR et al. Hum Mutat, 2018 05;39:593-620). In addition to the clinical data presented in the literature, this alteration is expected to result in loss of function by premature protein truncation or nonsense-mediated mRNA decay. As such, this alteration is interpreted as a disease-causing mutation.

Consortium of Investigators of Modifiers of BRCA1/2 (CIMBA), c/o University of Cambridge
Classification: Pathogenic for Breast-ovarian cancer, familial, susceptibility to, 1. Last evaluated: 2015-10-02. Review status: criteria provided, single submitter. Criteria: CIMBA Mutation Classification guidelines May 2016. Collection method: clinical testing. Allele origin: germline. Not counted in ClinVar's aggregate classification.

Sharing Clinical Reports Project (SCRP)
Classification: Pathogenic for Breast-ovarian cancer, familial 1. Last evaluated: 2014-08-07. Review status: no assertion criteria provided. Collection method: clinical testing. Allele origin: germline. Not counted in ClinVar's aggregate classification.

Literature cited by the submitters: PubMed 20104584 (cited by Labcorp Genetics (formerly Invitae), Labcorp); PubMed 29446198 (cited by Ambry Genetics).